The following is an entry in ClinVar:

NM_000059.4(BRCA2):c.7117A>G (p.Ser2373Gly)

Gene: BRCA2 (BRCA2 DNA repair associated; plus strand). Cytogenetic location: 13q13.1.
Variant type: single nucleotide variant.
Coding change: c.7117A>G on transcript NM_000059.4 (MANE Select); coding-DNA position 7117, A replaced by G.
Protein change: p.Ser2373Gly; replaces serine 2373 with glycine.
Molecular consequence: missense variant.
Genome position (GRCh38, 1-based): chr13:32,354,970, A>G. VCF-style: chr13-32354970-A-G. GRCh37 (hg19) VCF-style: chr13-32929107-A-G.
Other names: short protein forms S2373G.
Identifiers: ClinVar variation 993053 (VCV000993053.3), dbSNP rs2072678156, ClinGen allele CA387738675.

ClinVar aggregate classification (germline): Uncertain significance. Review status: criteria provided, multiple submitters, no conflicts (2 of 4 stars). 2 submissions from 2 submitters: Uncertain significance (2). Last evaluated 2024-04-04.

Conditions:
Hereditary breast ovarian cancer syndrome. Also called: Hereditary breast and ovarian cancer; Hereditary breast and ovarian cancer syndrome; Breast and ovarian cancer; BRCA1- and BRCA2-Associated Hereditary Breast and Ovarian Cancer; Hereditary breast and/or ovarian cancer syndrome; Hereditary breast and ovarian cancer syndrome (HBOC). Identifiers: Orphanet 145, MedGen C0677776, MeSH D061325, MONDO:0003582. Disease mechanism: loss of function.

Submissions (2):

Labcorp Genetics (formerly Invitae), Labcorp
Classification: Uncertain significance for Hereditary breast ovarian cancer syndrome. Last evaluated: 2024-04-04. Review status: criteria provided, single submitter. Criteria: Invitae Variant Classification Sherloc (09022015). Collection method: clinical testing. Allele origin: germline.
Comment: This sequence change replaces serine, which is neutral and polar, with glycine, which is neutral and non-polar, at codon 2373 of the BRCA2 protein (p.Ser2373Gly). This variant is not present in population databases (gnomAD no frequency). This variant has not been reported in the literature in individuals affected with BRCA2-related conditions. ClinVar contains an entry for this variant (Variation ID: 993053). Advanced modeling of protein sequence and biophysical properties (such as structural, functional, and spatial information, amino acid conservation, physicochemical variation, residue mobility, and thermodynamic stability) performed at Invitae indicates that this missense variant is not expected to disrupt BRCA2 protein function with a negative predictive value of 95%. In summary, the available evidence is currently insufficient to determine the role of this variant in disease. Therefore, it has been classified as a Variant of Uncertain Significance.

Quest Diagnostics Nichols Institute San Juan Capistrano
Classification: Uncertain significance. Last evaluated: 2019-09-22. Review status: criteria provided, single submitter. Criteria: Quest Diagnostics criteria. Collection method: clinical testing. Allele origin: unknown.